The following is an entry in ClinVar:

NM_003227.4(TFR2):c.2236dup (p.Asp746fs)

Gene: TFR2 (transferrin receptor 2; minus strand). Cytogenetic location: 7q22.1.
Variant type: Duplication.
Coding change: c.2236dup on transcript NM_003227.4 (MANE Select); coding-DNA position 2236, one base duplicated (G; older notation c.2236dupG).
Protein change: p.Asp746fs; shifts the reading frame from aspartic acid 746.
Molecular consequence: frameshift variant.
Genome position (GRCh38, 1-based): chr7:100,621,027, C duplicated on the plus strand (G on the coding strand, the reverse complement: TFR2 is on the minus strand); the first of 2 consecutive C bases (chr7:100,621,027-100,621,028); duplicating either gives the same sequence. VCF-style (leftmost placement, unchanged base first): chr7-100621026-T-TC. GRCh37 (hg19) VCF-style: chr7-100218649-T-TC.
Other names: c.1723dup, p.Asp575fs (NM_001206855.3); c.2236dupG (NM_003227.3); short protein forms D575fs, D746fs.
Identifiers: ClinVar variation 1072553 (VCV001072553.12), dbSNP rs777027788, ClinGen allele CA4386179.

ClinVar aggregate classification (germline): Pathogenic/Likely pathogenic. Review status: criteria provided, multiple submitters, no conflicts (2 of 4 stars). 3 submissions from 3 submitters: Pathogenic (1); Likely pathogenic (2). Last evaluated 2024-04-07.

Conditions:
Hereditary hemochromatosis (HFE). Identifiers: MedGen C0392514, MONDO:0006507. Disease mechanism: loss of function.
Hemochromatosis type 3 (HFE3). Also called: HEMOCHROMATOSIS DUE TO DEFECT IN TRANSFERRIN RECEPTOR 2; Hereditary hemochromatosis type 3; TFR2-Related Hemochromatosis. Identifiers: Orphanet 225123, MedGen C1858664, MONDO:0011417, OMIM 604250.

Submissions (3):

Natera, Inc.
Classification: Likely pathogenic for Hereditary hemochromatosis type 3. Last evaluated: 2024-04-07. Review status: criteria provided, single submitter. Criteria: Natera Variant Classification Schema (03/2026). Collection method: clinical testing. Allele origin: germline.
Comment: The c.2236dupG variant in TFR2 is a frameshift variant predicted to shift the reading frame beginning at codon 746 and leads to a stop codon 46 codons downstream. This variant may result in a truncated or dysfunctional protein product. This variant is rare in the general population with a frequency below the threshold expected for the associated phenotype(s). Given the available evidence, this variant is classified as Likely Pathogenic.

Baylor Genetics
Classification: Likely pathogenic for Hemochromatosis type 3. Last evaluated: 2024-02-26. Review status: criteria provided, single submitter. Criteria: ACMG Guidelines, 2015. Collection method: clinical testing. Allele origin: unknown.

Labcorp Genetics (formerly Invitae), Labcorp
Classification: Pathogenic for Hereditary hemochromatosis. Last evaluated: 2024-02-11. Review status: criteria provided, single submitter. Criteria: Invitae Variant Classification Sherloc (09022015). Collection method: clinical testing. Allele origin: germline.
Comment: This sequence change creates a premature translational stop signal (p.Asp746Glyfs*46) in the TFR2 gene. While this is not anticipated to result in nonsense mediated decay, it is expected to disrupt the last 56 amino acid(s) of the TFR2 protein. This variant is present in population databases (rs777027788, gnomAD 0.03%). This variant has not been reported in the literature in individuals affected with TFR2-related conditions. ClinVar contains an entry for this variant (Variation ID: 1072553). This variant disrupts a region of the TFR2 protein in which other variant(s) (p.Trp781*) have been determined to be pathogenic (PMID: 23600741, 26029709). This suggests that this is a clinically significant region of the protein, and that variants that disrupt it are likely to be disease-causing. For these reasons, this variant has been classified as Pathogenic.

Literature cited by the submitters: PubMed 23600741 (cited by Labcorp Genetics (formerly Invitae), Labcorp); PubMed 26029709 (cited by Labcorp Genetics (formerly Invitae), Labcorp).